The following is an entry in ClinVar:

NM_002472.3(MYH8):c.1137T>A (p.Asp379Glu)

Genes: MYH8 (myosin heavy chain 8; minus strand), MYHAS (myosin heavy chain gene cluster antisense RNA; plus strand). Cytogenetic location: 17p13.1.
Variant type: single nucleotide variant.
Coding change: c.1137T>A on transcript NM_002472.3 (MANE Select); coding-DNA position 1137, T replaced by A.
Protein change: p.Asp379Glu; replaces aspartic acid 379 with glutamic acid.
Molecular consequence: missense variant.
Genome position (GRCh38, 1-based): chr17:10,413,912, A>T on the plus strand (T>A on the coding strand, the complement: MYH8 is on the minus strand). VCF-style: chr17-10413912-A-T. GRCh37 (hg19) VCF-style: chr17-10317229-A-T.
Other names: short protein forms D379E.
Identifiers: ClinVar variation 5001728 (VCV005001728.1).

ClinVar aggregate classification (germline): Uncertain significance (1 of 4 stars; one submission).

Conditions:
MYH8-related disorder. Also called: MYH8-related condition.

Submission:

PreventionGenetics, part of Exact Sciences
Classification: Uncertain significance for MYH8-related condition. Last evaluated: 2025-03-08. Review status: criteria provided, single submitter. Criteria: ACMG Guidelines, 2015. Collection method: clinical testing. Allele origin: germline.
Comment: The MYH8 c.1137T>A variant is predicted to result in the amino acid substitution p.Asp379Glu. To our knowledge, this variant has not been reported in the literature or in a large population database (gnomAD), indicating this variant is rare. At this time, the clinical significance of this variant is uncertain due to the absence of conclusive functional and genetic evidence.